The following is an entry in ClinVar:

ClinVar aggregate classification (germline): Uncertain significance (1 of 4 stars; one submission).

Submission:

Labcorp Genetics (formerly Invitae), Labcorp
Classification: Uncertain significance. Last evaluated: 2022-04-28. Review status: criteria provided, single submitter. Criteria: Invitae Variant Classification Sherloc (09022015). Collection method: clinical testing. Allele origin: germline.
Comment: In summary, the available evidence is currently insufficient to determine the role of this variant in disease. Therefore, it has been classified as a Variant of Uncertain Significance. Algorithms developed to predict the effect of missense changes on protein structure and function are either unavailable or do not agree on the potential impact of this missense change (SIFT: "Tolerated"; PolyPhen-2: "Probably Damaging"; Align-GVGD: "Class C0"). This variant has not been reported in the literature in individuals affected with HMCN1-related conditions. This variant is not present in population databases (gnomAD no frequency). This sequence change replaces proline, which is neutral and non-polar, with serine, which is neutral and polar, at codon 2879 of the HMCN1 protein (p.Pro2879Ser).

NM_031935.3(HMCN1):c.8635C>T (p.Pro2879Ser)

Gene: HMCN1 (hemicentin 1; plus strand). Cytogenetic location: 1q31.1.
Variant type: single nucleotide variant.
Coding change: c.8635C>T on transcript NM_031935.3 (MANE Select); coding-DNA position 8635, C replaced by T.
Protein change: p.Pro2879Ser; replaces proline 2879 with serine.
Molecular consequence: missense variant.
Genome position (GRCh38, 1-based): chr1:186,081,242, C>T. VCF-style: chr1-186081242-C-T. GRCh37 (hg19) VCF-style: chr1-186050374-C-T.
Other names: short protein forms P2879S.
Identifiers: ClinVar variation 2131145 (VCV002131145.4), dbSNP rs2527859937, ClinGen allele CA343914292.